The following is an entry in ClinVar:

NM_001036.6(RYR3):c.9799C>T (p.Pro3267Ser)

Gene: RYR3 (ryanodine receptor 3; plus strand). Cytogenetic location: 15q14.
Variant type: single nucleotide variant.
Coding change: c.9799C>T on transcript NM_001036.6 (MANE Select); coding-DNA position 9799, C replaced by T.
Protein change: p.Pro3267Ser; replaces proline 3267 with serine.
Molecular consequence: missense variant.
Genome position (GRCh38, 1-based): chr15:33,788,427, C>T. VCF-style: chr15-33788427-C-T. GRCh37 (hg19) VCF-style: chr15-34080628-C-T.
Other names: c.9799C>T, p.Pro3267Ser (NM_001243996.4); short protein forms P3267S.
Identifiers: ClinVar variation 461990 (VCV000461990.18), dbSNP rs182972491, ClinGen allele CA7460607.

ClinVar aggregate classification (germline): Conflicting classifications of pathogenicity. Review status: criteria provided, conflicting classifications (1 of 4 stars). 3 submissions from 3 submitters: Uncertain significance (2); Likely benign (1). Last evaluated 2025-04-18.

Conditions:
Epileptic encephalopathy. Identifiers: MedGen C0543888, HP:0200134.
Inborn genetic diseases. Identifiers: MedGen C0950123, MeSH D030342.

Allele frequency attached by ClinVar (database versions not stated): TOPMed 0.00043; 1000 Genomes Project 30x 0.00016; 1000 Genomes Project 0.00020; ExAC 0.00020; gnomAD exomes 0.00020 and 0.00031; gnomAD 0.00028 and 0.00029.
gnomAD v4.1: 348 of 1,613,890 alleles (0.022%); highest among the groups gnomAD compares: Admixed American, 0.14%; no homozygotes.

Submissions (3):

Women's Health and Genetics/Laboratory Corporation of America, LabCorp
Classification: Uncertain significance. Last evaluated: 2025-04-18. Review status: criteria provided, single submitter. Criteria: LabCorp Variant Classification Summary - May 2015. Collection method: clinical testing. Allele origin: germline.
Comment: Variant summary: RYR3 c.9799C>T (p.Pro3267Ser) results in a non-conservative amino acid change in the encoded protein sequence. Four of four in-silico tools predict a damaging effect of the variant on protein function. The variant allele was found at a frequency of 0.00031 in 248888 control chromosomes (gnomAD). This frequency is not significantly higher than estimated for a pathogenic variant in RYR3 causing Congenital Myopathy 20, allowing no conclusion about variant significance. To our knowledge, no occurrence of c.9799C>T in individuals affected with Congenital Myopathy 20 and no experimental evidence demonstrating its impact on protein function have been reported. ClinVar contains an entry for this variant (Variation ID: 461990). Based on the evidence outlined above, the variant was classified as uncertain significance.

Labcorp Genetics (formerly Invitae), Labcorp
Classification: Likely benign for Epileptic encephalopathy. Last evaluated: 2024-11-05. Review status: criteria provided, single submitter. Criteria: Invitae Variant Classification Sherloc (09022015). Collection method: clinical testing. Allele origin: germline.

Ambry Genetics
Classification: Uncertain significance for Inborn genetic diseases. Last evaluated: 2017-07-05. Review status: criteria provided, single submitter. Criteria: Ambry exome assertion method (8-5-2015). Collection method: clinical testing. Allele origin: germline. Affected: yes. Observed: 1 variant allele.